The following is an entry in ClinVar:

ClinVar aggregate classification (germline): Uncertain significance (1 of 4 stars; one submission).

Conditions:
Cardiovascular phenotype. Identifiers: MedGen CN230736.

Allele frequency attached by ClinVar (database versions not stated): TOPMed below 0.00001; gnomAD 0.00001.
gnomAD v4.1: 1 of 1,613,484 alleles (0.000062%); highest among the groups gnomAD compares: Non-Finnish European, 0.000085%; no homozygotes.

Submission:

Ambry Genetics
Classification: Uncertain significance for Cardiovascular phenotype. Last evaluated: 2023-03-24. Review status: criteria provided, single submitter. Criteria: Ambry Variant Classification Scheme 2023. Collection method: clinical testing. Allele origin: germline.
Comment: The p.T13S variant (also known as c.37A>T), located in coding exon 1 of the TBX5 gene, results from an A to T substitution at nucleotide position 37. The threonine at codon 13 is replaced by serine, an amino acid with similar properties. This amino acid position is conserved. In addition, this alteration is predicted to be tolerated by in silico analysis. Since supporting evidence is limited at this time, the clinical significance of this alteration remains unclear.

NM_181486.4(TBX5):c.37A>T (p.Thr13Ser)

Gene: TBX5 (T-box transcription factor 5; minus strand). Cytogenetic location: 12q24.21.
Variant type: single nucleotide variant.
Coding change: c.37A>T on transcript NM_181486.4 (MANE Select); coding-DNA position 37, A replaced by T.
Protein change: p.Thr13Ser; replaces threonine 13 with serine.
Molecular consequence: missense variant. On other transcripts: intron variant (1).
Genome position (GRCh38, 1-based): chr12:114,403,862, T>A on the plus strand (A>T on the coding strand, the complement: TBX5 is on the minus strand). VCF-style: chr12-114403862-T-A. GRCh37 (hg19) VCF-style: chr12-114841667-T-A.
Other names: c.37A>T, p.Thr13Ser (NM_000192.3); c.-3-1942A>T (NM_080717.4); short protein forms T13S.
Identifiers: ClinVar variation 2561579 (VCV002561579.2), dbSNP rs1244677569, ClinGen allele CA386863635.